The following is an entry in ClinVar:

NM_002439.5(MSH3):c.3226G>A (p.Ala1076Thr)

Gene: MSH3 (mutS homolog 3; plus strand). Cytogenetic location: 5q14.1.
Variant type: single nucleotide variant.
Coding change: c.3226G>A on transcript NM_002439.5 (MANE Select); coding-DNA position 3226, G replaced by A.
Protein change: p.Ala1076Thr; replaces alanine 1076 with threonine.
Molecular consequence: missense variant.
Genome position (GRCh38, 1-based): chr5:80,873,211, G>A. VCF-style: chr5-80873211-G-A. GRCh37 (hg19) VCF-style: chr5-80169030-G-A.
Other names: short protein forms A1076T.
Identifiers: ClinVar variation 639070 (VCV000639070.12), dbSNP rs372732917, ClinGen allele CA3328487.

ClinVar aggregate classification (germline): Uncertain significance. Review status: criteria provided, multiple submitters, no conflicts (2 of 4 stars). 2 submissions from 2 submitters: Uncertain significance (2). Last evaluated 2024-09-06.

Conditions:
Hereditary cancer-predisposing syndrome. Also called: Neoplastic Syndromes, Hereditary; Tumor predisposition; Hereditary Cancer Syndrome; Hereditary neoplastic syndrome. Identifiers: Orphanet 140162, MedGen C0027672, MeSH D009386, MONDO:0015356.

Allele frequency attached by ClinVar (database versions not stated): gnomAD exomes 0.00001; TOPMed 0.00001; ExAC 0.00002; ESP Exome Variant Server 0.00015.
gnomAD v4.1: 2 of 1,613,872 alleles (0.00012%); highest among the groups gnomAD compares: African/African-American, 0.0027%; no homozygotes.

Submissions (2):

Ambry Genetics
Classification: Uncertain significance for Hereditary cancer-predisposing syndrome. Last evaluated: 2024-09-06. Review status: criteria provided, single submitter. Criteria: Ambry Variant Classification Scheme 2023. Collection method: clinical testing. Allele origin: germline.
Comment: The p.A1076T variant (also known as c.3226G>A), located in coding exon 23 of the MSH3 gene, results from a G to A substitution at nucleotide position 3226. The alanine at codon 1076 is replaced by threonine, an amino acid with similar properties. This amino acid position is highly conserved in available vertebrate species. In addition, this alteration is predicted to be deleterious by in silico analysis. Based on the available evidence, the clinical significance of this variant remains unclear.

Labcorp Genetics (formerly Invitae), Labcorp
Classification: Uncertain significance. Last evaluated: 2024-04-17. Review status: criteria provided, single submitter. Criteria: Invitae Variant Classification Sherloc (09022015). Collection method: clinical testing. Allele origin: germline.
Comment: This sequence change replaces alanine, which is neutral and non-polar, with threonine, which is neutral and polar, at codon 1076 of the MSH3 protein (p.Ala1076Thr). This variant is present in population databases (rs372732917, gnomAD 0.01%). This variant has not been reported in the literature in individuals affected with MSH3-related conditions. ClinVar contains an entry for this variant (Variation ID: 639070). An algorithm developed to predict the effect of missense changes on protein structure and function (PolyPhen-2) suggests that this variant is likely to be disruptive. In summary, the available evidence is currently insufficient to determine the role of this variant in disease. Therefore, it has been classified as a Variant of Uncertain Significance.